The following is an entry in ClinVar:

ClinVar aggregate classification (germline): Likely benign (0 of 4 stars; one submission).

Conditions:
PLXNA1-related disorder. Also called: PLXNA1-related condition.

Allele frequency attached by ClinVar (database versions not stated): TOPMed 0.00005; gnomAD 0.00007; gnomAD exomes 0.00008; 1000 Genomes Project 30x 0.00016; ExAC 0.00019; 1000 Genomes Project 0.00020.
gnomAD v4.1: 133 of 1,610,482 alleles (0.0083%); highest among the groups gnomAD compares: South Asian, 0.088%; 2 homozygotes.

Submission:

PreventionGenetics, part of Exact Sciences
Classification: Likely benign for PLXNA1-related condition. Last evaluated: 2023-05-24. Review status: no assertion criteria provided. Collection method: clinical testing. Allele origin: germline.
Comment: This variant is classified as likely benign based on ACMG/AMP sequence variant interpretation guidelines (Richards et al. 2015 PMID: 25741868, with internal and published modifications).

NM_032242.4(PLXNA1):c.198C>T (p.Gly66=)

Gene: PLXNA1 (plexin A1; plus strand). Cytogenetic location: 3q21.3.
Variant type: single nucleotide variant.
Coding change: c.198C>T on transcript NM_032242.4 (MANE Select); coding-DNA position 198, C replaced by T.
Protein change: p.Gly66=; no amino-acid change (glycine 66 retained).
Molecular consequence: synonymous variant.
Genome position (GRCh38, 1-based): chr3:126,988,791, C>T. VCF-style: chr3-126988791-C-T. GRCh37 (hg19) VCF-style: chr3-126707634-C-T.
Identifiers: ClinVar variation 3031751 (VCV003031751.2), dbSNP rs569514108, ClinGen allele CA2592934.